The following is an entry in ClinVar:

ClinVar aggregate classification (germline): Likely benign. Review status: criteria provided, multiple submitters, no conflicts (2 of 4 stars). 4 submissions from 4 submitters: Likely benign (4). Last evaluated 2026-02-23.

Conditions:
Cardiovascular phenotype. Identifiers: MedGen CN230736.
ALPK3-related disorder. Also called: ALPK3-related condition.

Allele frequency attached by ClinVar (database versions not stated): gnomAD exomes 0.00002 and 0.00005; ExAC 0.00005; gnomAD 0.00016; TOPMed 0.00019; ESP Exome Variant Server 0.00023.

Submissions (4):

Women's Health and Genetics/Laboratory Corporation of America, LabCorp
Classification: Likely benign. Last evaluated: 2026-02-23. Review status: criteria provided, single submitter. Criteria: LabCorp Variant Classification Summary - May 2015. Collection method: clinical testing. Allele origin: germline.

Labcorp Genetics (formerly Invitae), Labcorp
Classification: Likely benign. Last evaluated: 2025-12-17. Review status: criteria provided, single submitter. Criteria: Invitae Variant Classification Sherloc (09022015). Collection method: clinical testing. Allele origin: germline.

PreventionGenetics, part of Exact Sciences
Classification: Likely benign for ALPK3-related condition. Last evaluated: 2025-10-04. Review status: criteria provided, single submitter. Criteria: ACMG Guidelines, 2015. Collection method: clinical testing. Allele origin: germline.
Comment: This variant is classified as likely benign based on ACMG/AMP sequence variant interpretation guidelines (Richards et al. 2015 PMID: 25741868, with internal and published modifications).

Ambry Genetics
Classification: Likely benign for Cardiovascular phenotype. Last evaluated: 2018-12-24. Review status: criteria provided, single submitter. Criteria: Ambry Variant Classification Scheme 2023. Collection method: clinical testing. Allele origin: germline.

NM_020778.5(ALPK3):c.2925A>G (p.Thr975=)

Gene: ALPK3 (alpha kinase 3; plus strand). Cytogenetic location: 15q25.3.
Variant type: single nucleotide variant.
Coding change: c.2925A>G on transcript NM_020778.5 (MANE Select); coding-DNA position 2925, A replaced by G.
Protein change: p.Thr975=; no amino-acid change (threonine 975 retained).
Molecular consequence: synonymous variant.
Genome position (GRCh38, 1-based): chr15:84,857,663, A>G. VCF-style: chr15-84857663-A-G. GRCh37 (hg19) VCF-style: chr15-85400894-A-G.
Identifiers: ClinVar variation 709913 (VCV000709913.12), dbSNP rs367733791, ClinGen allele CA7709519.